The following is an entry in ClinVar:

NM_006516.4(SLC2A1):c.-5C>T

Gene: SLC2A1 (solute carrier family 2 member 1; minus strand). Cytogenetic location: 1p34.2.
Variant type: single nucleotide variant.
Coding change: c.-5C>T on transcript NM_006516.4 (MANE Select); 5 bases upstream of the start codon, C replaced by T.
Molecular consequence: 5 prime UTR variant.
Genome position (GRCh38, 1-based): chr1:42,958,656, G>A on the plus strand (C>T on the coding strand, the complement: SLC2A1 is on the minus strand). VCF-style: chr1-42958656-G-A. GRCh37 (hg19) VCF-style: chr1-43424327-G-A.
Identifiers: ClinVar variation 3372428 (VCV003372428.1).

ClinVar aggregate classification (germline): Uncertain significance (1 of 4 stars; one submission).

gnomAD v4.1: 4 of 1,535,212 alleles (0.00026%); highest among the groups gnomAD compares: Non-Finnish European, 0.00035%; no homozygotes.

Submission:

GeneDx
Classification: Uncertain significance. Last evaluated: 2024-04-15. Review status: criteria provided, single submitter. Criteria: GeneDx Variant Classification Process June 2021. Collection method: clinical testing. Allele origin: germline. Affected: yes.
Comment: Not observed at significant frequency in large population cohorts (gnomAD); Has not been previously published as pathogenic or benign to our knowledge; Alters the Kozak sequence, which plays a major role in the initiation of translation